The following is an entry in ClinVar:

ClinVar aggregate classification (germline): Likely benign (0 of 4 stars; one submission).

Conditions:
MN1-related disorder. Also called: MN1-related condition.

Allele frequency attached by ClinVar (database versions not stated): TOPMed 0.00002; gnomAD 0.00003; gnomAD exomes 0.00008; 1000 Genomes Project 0.00020; 1000 Genomes Project 30x 0.00031; ExAC 0.00043.
gnomAD v4.1: 108 of 1,570,610 alleles (0.0069%); highest among the groups gnomAD compares: South Asian, 0.12%; 2 homozygotes.

Submission:

PreventionGenetics, part of Exact Sciences
Classification: Likely benign for MN1-related condition. Last evaluated: 2019-05-06. Review status: no assertion criteria provided. Collection method: clinical testing. Allele origin: germline.
Comment: This variant is classified as likely benign based on ACMG/AMP sequence variant interpretation guidelines (Richards et al. 2015 PMID: 25741868, with internal and published modifications).

NM_002430.3(MN1):c.3399G>A (p.Glu1133=)

Gene: MN1 (MN1 proto-oncogene, transcriptional regulator; minus strand). Cytogenetic location: 22q12.1.
Variant type: single nucleotide variant.
Coding change: c.3399G>A on transcript NM_002430.3 (MANE Select); coding-DNA position 3399, G replaced by A.
Protein change: p.Glu1133=; no amino-acid change (glutamic acid 1133 retained).
Molecular consequence: synonymous variant.
Genome position (GRCh38, 1-based): chr22:27,797,145, C>T on the plus strand (G>A on the coding strand, the complement: MN1 is on the minus strand). VCF-style: chr22-27797145-C-T. GRCh37 (hg19) VCF-style: chr22-28193133-C-T.
Identifiers: ClinVar variation 3041449 (VCV003041449.2), dbSNP rs545480570, ClinGen allele CA10166067.